The following is an entry in ClinVar:

ClinVar aggregate classification (germline): Uncertain significance (1 of 4 stars; one submission).

Allele frequency attached by ClinVar (database versions not stated): gnomAD exomes below 0.00001; ExAC 0.00001.
gnomAD v4.1: 1 of 1,579,594 alleles (0.000063%); highest among the groups gnomAD compares: Admixed American, 0.0017%; no homozygotes.

Submission:

Labcorp Genetics (formerly Invitae), Labcorp
Classification: Uncertain significance. Last evaluated: 2022-10-17. Review status: criteria provided, single submitter. Criteria: Invitae Variant Classification Sherloc (09022015). Collection method: clinical testing. Allele origin: germline.
Comment: This sequence change falls in intron 1 of the GNAS gene. It does not directly change the encoded amino acid sequence of the GNAS protein. In summary, the available evidence is currently insufficient to determine the role of this variant in disease. Therefore, it has been classified as a Variant of Uncertain Significance. Algorithms developed to predict the effect of sequence changes on RNA splicing suggest that this variant may disrupt the consensus splice site. This variant has not been reported in the literature in individuals affected with GNAS-related conditions. This variant is present in population databases (rs762240816, gnomAD 0.003%).

NM_000516.7(GNAS):c.140-6T>A

Gene: GNAS (GNAS complex locus; plus strand). Cytogenetic location: 20q13.32.
Variant type: single nucleotide variant.
Coding change: c.140-6T>A on transcript NM_000516.7 (MANE Select); 6 bases into the intron before coding-DNA position 140, T replaced by A.
Molecular consequence: intron variant.
Genome position (GRCh38, 1-based): chr20:58,895,606, T>A. VCF-style: chr20-58895606-T-A. GRCh37 (hg19) VCF-style: chr20-57470661-T-A.
Other names: c.*43-6T>A (NM_016592.5); c.-38-6T>A (NM_001309861.2, NM_001309840.2); c.*1-6T>A (NM_001077490.3); c.2069-6T>A (NM_080425.4); c.*159-6T>A (NM_001309883.1); c.140-6T>A (NM_001077488.5, NM_080426.4, NM_001077489.4 and 1 more transcripts).
Identifiers: ClinVar variation 1992868 (VCV001992868.4), dbSNP rs762240816, ClinGen allele CA9926915.